The following is an entry in ClinVar:

NM_020693.4(DSCAML1):c.1463G>A (p.Arg488Gln)

Gene: DSCAML1 (DS cell adhesion molecule like 1; minus strand). Cytogenetic location: 11q23.3.
Variant type: single nucleotide variant.
Coding change: c.1463G>A on transcript NM_020693.4 (MANE Select); coding-DNA position 1463, G replaced by A.
Protein change: p.Arg488Gln; replaces arginine 488 with glutamine.
Molecular consequence: missense variant.
Genome position (GRCh38, 1-based): chr11:117,518,513, C>T on the plus strand (G>A on the coding strand, the complement: DSCAML1 is on the minus strand). VCF-style: chr11-117518513-C-T. GRCh37 (hg19) VCF-style: chr11-117389228-C-T.
Other names: c.1463G>A, p.Arg488Gln (NM_001367904.1); c.1055G>A, p.Arg352Gln (NM_001367905.1); c.1643G>A (NM_020693.2); short protein forms R352Q, R488Q.
Identifiers: ClinVar variation 2187600 (VCV002187600.5), dbSNP rs368200086, ClinGen allele CA6297253.

ClinVar aggregate classification (germline): Uncertain significance. Review status: criteria provided, multiple submitters, no conflicts (2 of 4 stars). 2 submissions from 2 submitters: Uncertain significance (2). Last evaluated 2026-01-12.

Allele frequency attached by ClinVar (database versions not stated): gnomAD exomes 0.00003; gnomAD 0.00005; ESP Exome Variant Server 0.00008; TOPMed 0.00009; ExAC 0.00011.
gnomAD v4.1: 56 of 1,614,110 alleles (0.0035%); highest among the groups gnomAD compares: South Asian, 0.0099%; no homozygotes.

Submissions (2):

Labcorp Genetics (formerly Invitae), Labcorp
Classification: Uncertain significance. Last evaluated: 2026-01-12. Review status: criteria provided, single submitter. Criteria: Invitae Variant Classification Sherloc (09022015). Collection method: clinical testing. Allele origin: germline.
Comment: This sequence change replaces arginine, which is basic and polar, with glutamine, which is neutral and polar, at codon 548 of the DSCAML1 protein (p.Arg548Gln). This variant is present in population databases (rs368200086, gnomAD 0.02%). This variant has not been reported in the literature in individuals affected with DSCAML1-related conditions. ClinVar contains an entry for this variant (Variation ID: 2187600). An algorithm developed to predict the effect of missense changes on protein structure and function (PolyPhen-2) suggests that this variant is likely to be disruptive. In summary, the available evidence is currently insufficient to determine the role of this variant in disease. Therefore, it has been classified as a Variant of Uncertain Significance.

Ambry Genetics
Classification: Uncertain significance. Last evaluated: 2025-04-25. Review status: criteria provided, single submitter. Criteria: Ambry Variant Classification Scheme 2023. Collection method: clinical testing. Allele origin: germline.